The following is an entry in ClinVar:

ClinVar aggregate classification (germline): Uncertain significance. Review status: criteria provided, multiple submitters, no conflicts (2 of 4 stars). 2 submissions from 2 submitters: Uncertain significance (2). Last evaluated 2025-01-31.

Conditions:
Inborn genetic diseases. Identifiers: MedGen C0950123, MeSH D030342.

gnomAD v4.1: 8 of 1,600,692 alleles (0.0005%); highest among the groups gnomAD compares: Non-Finnish European, 0.00068%; no homozygotes.

Submissions (2):

Ambry Genetics
Classification: Uncertain significance for Inborn genetic diseases. Last evaluated: 2025-01-31. Review status: criteria provided, single submitter. Criteria: Ambry Variant Classification Scheme 2023. Collection method: clinical testing. Allele origin: germline.
Comment: The p.A721S variant (also known as c.2161G>T) is located in coding exon 13 of the FANCM gene. The alanine at codon 721 is replaced by serine, an amino acid with similar properties. This change occurs in the first base pair of coding exon 13. This amino acid position is conserved. In addition, this alteration is predicted to be tolerated by in silico analysis. Based on the available evidence, the clinical significance of this variant remains unclear.

Blueprint Genetics
Classification: Uncertain significance. Last evaluated: 2020-02-20. Review status: criteria provided, single submitter. Criteria: ACMG Guidelines, 2015. Collection method: clinical testing. Allele origin: germline.

NM_020937.4(FANCM):c.2161G>T (p.Ala721Ser)

Gene: FANCM (FA complementation group M; plus strand). Cytogenetic location: 14q21.2.
Variant type: single nucleotide variant.
Coding change: c.2161G>T on transcript NM_020937.4 (MANE Select); coding-DNA position 2161, G replaced by T.
Protein change: p.Ala721Ser; replaces alanine 721 with serine.
Molecular consequence: missense variant.
Genome position (GRCh38, 1-based): chr14:45,173,055, G>T. VCF-style: chr14-45173055-G-T. GRCh37 (hg19) VCF-style: chr14-45642258-G-T.
Other names: c.2083G>T, p.Ala695Ser (NM_001308133.2); short protein forms A721S, A695S.
Identifiers: ClinVar variation 3848677 (VCV003848677.2).